The following is an entry in ClinVar:

NM_198252.3(GSN):c.1191+14G>A

Gene: GSN (gelsolin; plus strand). Cytogenetic location: 9q33.2.
Variant type: single nucleotide variant.
Coding change: c.1191+14G>A on transcript NM_198252.3 (MANE Select); 14 bases into the intron after coding-DNA position 1191, G replaced by A.
Molecular consequence: intron variant.
Genome position (GRCh38, 1-based): chr9:121,318,894, G>A. VCF-style: chr9-121318894-G-A. GRCh37 (hg19) VCF-style: chr9-124081172-G-A.
Other names: c.1191+14G>A (NM_001353054.1, NM_001353053.1, NM_001353060.2 and 10 more transcripts); c.1224+14G>A (NM_001353064.2, NM_001353066.2, NM_001353073.2 and 13 more transcripts); c.1299+14G>A (NM_001127663.2); c.1263+14G>A (NM_001353076.2); c.537+14G>A (NM_001353078.2); c.1242+14G>A (NM_001258029.2); c.1215+14G>A (NM_001258030.2); c.1344+14G>A (NM_000177.5).
Identifiers: ClinVar variation 976635 (VCV000976635.10), dbSNP rs377308627, ClinGen allele CA5221168.

ClinVar aggregate classification (germline): Benign/Likely benign. Review status: criteria provided, multiple submitters, no conflicts (2 of 4 stars). 3 submissions from 3 submitters: Benign (1); Likely benign (2). Last evaluated 2024-02-21.

Conditions:
Finnish type amyloidosis. Also called: Amyloidosis, familial, Finnish type; Meretoja type amyloidosis; Amyloidosis 5; Lattice corneal dystrophy associated with familial systemic amyloidosis; Meretoja's syndrome; Lattice dystrophy of the cornea with hereditary generalized amyloidosis. Identifiers: Orphanet 85448, MedGen C1622345, MONDO:0007097, OMIM 105120.

Allele frequency attached by ClinVar (database versions not stated): gnomAD 0.00006 and 0.00007; TOPMed 0.00009; ESP Exome Variant Server 0.00031.
gnomAD v4.1: 66 of 1,591,836 alleles (0.0041%); highest among the groups gnomAD compares: South Asian, 0.018%; 1 homozygote.

Submissions (3):

Labcorp Genetics (formerly Invitae), Labcorp
Classification: Likely benign. Last evaluated: 2024-02-21. Review status: criteria provided, single submitter. Criteria: Invitae Variant Classification Sherloc (09022015). Collection method: clinical testing. Allele origin: germline.

Fulgent Genetics
Classification: Likely benign for Finnish type amyloidosis. Last evaluated: 2021-11-10. Review status: criteria provided, single submitter. Criteria: ACMG Guidelines, 2015. Collection method: clinical testing. Allele origin: unknown.

Illumina Laboratory Services, Illumina
Classification: Benign for Finnish type amyloidosis. Last evaluated: 2018-01-13. Review status: criteria provided, single submitter. Criteria: ICSL Variant Classification Criteria 13 December 2019. Collection method: clinical testing. Allele origin: germline.
Comment: This variant was observed in the ICSL laboratory as part of a predisposition screen in an ostensibly healthy population. It had not been previously curated by ICSL or reported in the Human Gene Mutation Database (HGMD: prior to June 1st, 2018), and was therefore a candidate for classification through an automated scoring system. Utilizing variant allele frequency, disease prevalence and penetrance estimates, and inheritance mode, an automated score was calculated to assess if this variant is too frequent to cause the disease. Based on the score and internal cut-off values, a variant classified as benign is not then subjected to further curation. The score for this variant resulted in a classification of benign for this disease.